The following is an entry in ClinVar:

ClinVar aggregate classification (germline): Uncertain significance (1 of 4 stars; one submission).

Conditions:
Inborn genetic diseases. Identifiers: MedGen C0950123, MeSH D030342.

Submission:

Ambry Genetics
Classification: Uncertain significance for Inborn genetic diseases. Last evaluated: 2024-06-14. Review status: criteria provided, single submitter. Criteria: Ambry Variant Classification Scheme 2023. Collection method: clinical testing. Allele origin: germline.
Comment: The c.5585T>C (p.L1862S) alteration is located in exon 27 (coding exon 26) of the SCN8A gene. This alteration results from a T to C substitution at nucleotide position 5585, causing the leucine (L) at amino acid position 1862 to be replaced by a serine (S). This variant was not reported in population-based cohorts in the Genome Aggregation Database (gnomAD). This amino acid position is well conserved in available vertebrate species. This missense alteration is located in a region that has a low rate of benign missense variation (Lek, 2016; Firth, 2009). This alteration is predicted to be deleterious by in silico analysis. Based on insufficient or conflicting evidence, the clinical significance of this alteration remains unclear.

NM_001330260.2(SCN8A):c.5585T>C (p.Leu1862Ser)

Gene: SCN8A (sodium voltage-gated channel alpha subunit 8; plus strand). Cytogenetic location: 12q13.13.
Variant type: single nucleotide variant.
Coding change: c.5585T>C on transcript NM_001330260.2 (MANE Select); coding-DNA position 5585, T replaced by C.
Protein change: p.Leu1862Ser; replaces leucine 1862 with serine.
Molecular consequence: missense variant.
Genome position (GRCh38, 1-based): chr12:51,807,071, T>C. VCF-style: chr12-51807071-T-C. GRCh37 (hg19) VCF-style: chr12-52200855-T-C.
Other names: c.5462T>C, p.Leu1821Ser (NM_001177984.3, NM_001369788.1); c.5585T>C, p.Leu1862Ser (NM_014191.4); short protein forms L1862S, L1821S.
Identifiers: ClinVar variation 3316621 (VCV003316621.1).